The following is an entry in ClinVar:

ClinVar aggregate classification (germline): Uncertain significance (1 of 4 stars; one submission).

Allele frequency attached by ClinVar (database versions not stated): gnomAD exomes below 0.00001; ExAC 0.00001.
gnomAD v4.1: 2 of 1,614,202 alleles (0.00012%); highest among the groups gnomAD compares: Non-Finnish European, 0.00017%; no homozygotes.

Submission:

GeneDx
Classification: Uncertain significance. Last evaluated: 2014-09-16. Review status: criteria provided, single submitter. Criteria: GeneDx Variant Classification (06012015). Collection method: clinical testing. Allele origin: germline. Affected: yes.
Comment: p.Asp839Glu (GAC>GAG): c.2517 C>G in exon 18 of the ATP1A2 gene (NM_000702.3). The D839E variant has not been published as a mutation, nor has it been reported as a benign polymorphism to our knowledge. It was not observed in approximately 6,500 individuals of European and African American ancestry in the NHLBI Exome Sequencing Project, indicating it is not a common benign variant in these populations. This substitution occurs at a position that is conserved across species. Missense mutations in nearby residues (M829R, R834Q) have been reported in association with familial hemiplegic migraine type 2, supporting the functional importance of this region of the protein. However, the D839E variant is a conservative amino acid substitution, which is not likely to impact secondary protein structure as these residues share similar properties. In silico analysis is inconsistent in its predictions as to whether or not the variant is damaging to the protein structure/function. Therefore, based on the currently available information, it is unclear whether this variant is a pathogenic mutation or a rare benign variant. The variant is found in EPILEPSY panel(s).

NM_000702.4(ATP1A2):c.2517C>G (p.Asp839Glu)

Gene: ATP1A2 (ATPase Na+/K+ transporting subunit alpha 2; plus strand). Cytogenetic location: 1q23.2.
Variant type: single nucleotide variant.
Coding change: c.2517C>G on transcript NM_000702.4 (MANE Select); coding-DNA position 2517, C replaced by G.
Protein change: p.Asp839Glu; replaces aspartic acid 839 with glutamic acid.
Molecular consequence: missense variant.
Genome position (GRCh38, 1-based): chr1:160,136,324, C>G. VCF-style: chr1-160136324-C-G. GRCh37 (hg19) VCF-style: chr1-160106114-C-G.
Other names: p.D839E:GAC>GAG; short protein forms D839E.
Identifiers: ClinVar variation 204899 (VCV000204899.2), dbSNP rs752471668, ClinGen allele CA313316.